The following is an entry in ClinVar:

NM_016382.4(CD244):c.*578T>C

Gene: CD244 (CD244 molecule; minus strand). Cytogenetic location: 1q23.3.
Variant type: single nucleotide variant.
Coding change: c.*578T>C on transcript NM_016382.4 (MANE Select); 578 bases downstream of the stop codon, T replaced by C.
Molecular consequence: 3 prime UTR variant.
Genome position (GRCh38, 1-based): chr1:160,830,769, A>G on the plus strand (T>C on the coding strand, the complement: CD244 is on the minus strand). VCF-style: chr1-160830769-A-G. GRCh37 (hg19) VCF-style: chr1-160800559-A-G.
Other names: c.*578T>C (NM_001166663.2, NM_001166664.2).
Identifiers: ClinVar variation 1232419 (VCV001232419.4), dbSNP rs3766377, ClinGen allele CA10782355.

ClinVar aggregate classification (germline): Benign. Review status: criteria provided, multiple submitters, no conflicts (2 of 4 stars). 2 submissions from 2 submitters: Benign (2). Last evaluated 2020-10-28.

Allele frequency attached by ClinVar (database versions not stated): gnomAD exomes 0.26171; gnomAD 0.33495 and 0.33630; TOPMed 0.35092; 1000 Genomes Project 0.37500; 1000 Genomes Project 30x 0.38289.
gnomAD v4.1: 51,023 of 153,088 alleles (33%); highest among the groups gnomAD compares: African/African-American, 47%; 9,181 homozygotes.

Submissions (2):

GeneDx
Classification: Benign. Last evaluated: 2020-10-28. Review status: criteria provided, single submitter. Criteria: GeneDx Variant Classification Process June 2021. Collection method: clinical testing. Allele origin: germline. Affected: yes.
Comment: This variant is associated with the following publications: (PMID: 26296604)

Breakthrough Genomics
Classification: Benign. Review status: criteria provided, single submitter. Criteria: ACMG Guidelines, 2015. Collection method: not provided. Allele origin: germline. Inheritance: Unknown mechanism. Affected: yes.